The following is an entry in ClinVar:

ClinVar aggregate classification (germline): Pathogenic (1 of 4 stars; one submission).

Submission:

GeneDx
Classification: Pathogenic. Last evaluated: 2023-08-08. Review status: criteria provided, single submitter. Criteria: GeneDx Variant Classification Process June 2021. Collection method: clinical testing. Allele origin: germline. Affected: yes.
Comment: Frameshift variant in the C-terminus predicted to result in protein truncation, as the last 694 amino acids are lost and replaced with 18 incorrect amino acids; Not observed at significant frequency in large population cohorts (gnomAD); Has not been previously published as pathogenic or benign to our knowledge

NM_024496.4(IRF2BPL):c.291_322del (p.Gln103fs)

Genes: IRF2BPL (interferon regulatory factor 2 binding protein like; minus strand), LOC107984638 (uncharacterized LOC107984638; plus strand). Cytogenetic location: 14q24.3.
Variant type: Deletion.
Coding change: c.291_322del on transcript NM_024496.4 (MANE Select); coding-DNA positions 291 to 322, 32 bases deleted.
Protein change: p.Gln103fs; shifts the reading frame from glutamine 103.
Molecular consequence: frameshift variant.
Genome position (GRCh38, 1-based): chr14:77,027,471-77,027,502, 32 bases deleted; deleting any 32 consecutive bases within chr14:77,027,471-77,027,503 gives the same sequence; the c. name uses the placement nearest the transcript's 3' end. GRCh37 (hg19): chr14:77,493,815-77,493,846.
Other names: c.291_322delCGCCGCCGCCGCCGCGCAACAGCAACAGCAAC (NM_024496.3); c.291_322del (NM_024496.3); short protein forms Q103fs.
Identifiers: ClinVar variation 1202816 (VCV001202816.5), dbSNP rs2139976783, ClinGen allele CA2499222744.